The following is an entry in ClinVar:

ClinVar aggregate classification (germline): Pathogenic (1 of 4 stars; one submission).

Submission:

Labcorp Genetics (formerly Invitae), Labcorp
Classification: Pathogenic. Last evaluated: 2024-09-01. Review status: criteria provided, single submitter. Criteria: Invitae Variant Classification Sherloc (09022015). Collection method: clinical testing. Allele origin: germline.
Comment: This sequence change affects the initiator methionine of the POLE mRNA. The next in-frame methionine is located at codon 44. This variant is not present in population databases (gnomAD no frequency). Disruption of the initiator codon has been observed in individual(s) with clinical features of autosomal recessive FILS syndrome (PMID: 30503519). In at least one individual the data is consistent with being in trans (on the opposite chromosome) from a pathogenic variant. It has also been observed to segregate with disease in related individuals. For these reasons, this variant has been classified as Pathogenic.

Literature cited by the submitters: PubMed 30503519.

NM_006231.4(POLE):c.2_6del (p.Met1fs)

Genes: POLE (DNA polymerase epsilon, catalytic subunit; minus strand), LOC130009266 (ATAC-STARR-seq lymphoblastoid silent region 5123; plus strand). Cytogenetic location: 12q24.33.
Variant type: Deletion.
Coding change: c.2_6del on transcript NM_006231.4 (MANE Select); coding-DNA positions 2 to 6, 5 bases deleted (TGTCT; older notation c.2_6delTGTCT).
Protein change: p.Met1fs; shifts the reading frame from methionine 1.
Molecular consequence: frameshift variant, initiator codon variant.
Genome position (GRCh38, 1-based): chr12:132,687,310-132,687,314, AGACA deleted on the plus strand (TGTCT on the coding strand, the reverse complement: POLE is on the minus strand). VCF-style (leftmost placement, unchanged base first): chr12-132687309-GAGACA-G. GRCh37 (hg19) VCF-style: chr12-133263895-GAGACA-G.
Other names: short protein forms M1fs.
Identifiers: ClinVar variation 3664115 (VCV003664115.2).